The following is an entry in ClinVar:

NM_205768.3(ZBTB18):c.1448G>C (p.Arg483Thr)

Gene: ZBTB18 (zinc finger and BTB domain containing 18; plus strand). Cytogenetic location: 1q44.
Variant type: single nucleotide variant.
Coding change: c.1448G>C on transcript NM_205768.3 (MANE Select); coding-DNA position 1448, G replaced by C.
Protein change: p.Arg483Thr; replaces arginine 483 with threonine.
Molecular consequence: missense variant.
Genome position (GRCh38, 1-based): chr1:244,055,222, G>C. VCF-style: chr1-244055222-G-C. GRCh37 (hg19) VCF-style: chr1-244218524-G-C.
Other names: c.1421G>C, p.Arg474Thr (NM_001278196.2, NM_006352.5); short protein forms R474T, R483T.
Identifiers: ClinVar variation 2502541 (VCV002502541.4), dbSNP rs2527561584, ClinGen allele CA345675157.
Genomic context (GRCh38, chr1:244,055,222, plus strand): 5'-GCCGCCATGCCGTGGTGCACACCCGCGAGAAGCCGCACGCCTGCAAGTGGTGCGAGCGCA[G>C]GTTCACGCAGTCCGGGGACCTGTACAGACACATTCGCAAGTTCCACTGTGAGTTGGTGAA-3'
Protein context (NP_991331.1, residues 473-493): KPHACKWCER[Arg483Thr]FTQSGDLYRH

ClinVar aggregate classification (germline): Uncertain significance. Review status: criteria provided, multiple submitters, no conflicts (2 of 4 stars). 2 submissions from 2 submitters: Uncertain significance (2). Last evaluated 2023-06-12.

Submissions (2):

Labcorp Genetics (formerly Invitae), Labcorp
Classification: Uncertain significance. Last evaluated: 2023-06-12. Review status: criteria provided, single submitter. Criteria: Invitae Variant Classification Sherloc (09022015). Collection method: clinical testing. Allele origin: germline.
Comment: Advanced modeling of protein sequence and biophysical properties (such as structural, functional, and spatial information, amino acid conservation, physicochemical variation, residue mobility, and thermodynamic stability) performed at Invitae indicates that this missense variant is expected to disrupt ZBTB18 protein function. ClinVar contains an entry for this variant (Variation ID: 2502541). This variant has not been reported in the literature in individuals affected with ZBTB18-related conditions. This variant is not present in population databases (gnomAD no frequency). This sequence change replaces arginine, which is basic and polar, with threonine, which is neutral and polar, at codon 483 of the ZBTB18 protein (p.Arg483Thr). In summary, the available evidence is currently insufficient to determine the role of this variant in disease. Therefore, it has been classified as a Variant of Uncertain Significance.

GeneDx
Classification: Uncertain significance. Last evaluated: 2022-11-18. Review status: criteria provided, single submitter. Criteria: GeneDx Variant Classification Process June 2021. Collection method: clinical testing. Allele origin: germline. Affected: yes.
Comment: Not observed at significant frequency in large population cohorts (gnomAD); In silico analysis supports that this missense variant has a deleterious effect on protein structure/function; Has not been previously published as pathogenic or benign to our knowledge